The following is an entry in ClinVar:

ClinVar aggregate classification (germline): Likely benign (1 of 4 stars; one submission).

Conditions:
PKD1L1-related disorder. Also called: PKD1L1-related condition.

Submission:

PreventionGenetics, part of Exact Sciences
Classification: Likely benign for PKD1L1-related condition. Last evaluated: 2026-08-26. Review status: criteria provided, single submitter. Criteria: ACMG Guidelines, 2015. Collection method: clinical testing. Allele origin: germline.
Comment: This variant is classified as likely benign based on ACMG/AMP sequence variant interpretation guidelines (Richards et al. 2015 PMID: 25741868, with internal and published modifications).

NM_138295.5(PKD1L1):c.2979A>G (p.Ser993=)

Gene: PKD1L1 (polycystin 1 like 1, transient receptor potential channel interacting; minus strand). Cytogenetic location: 7p12.3.
Variant type: single nucleotide variant.
Coding change: c.2979A>G on transcript NM_138295.5 (MANE Select); coding-DNA position 2979, A replaced by G.
Protein change: p.Ser993=; no amino-acid change (serine 993 retained).
Molecular consequence: synonymous variant.
Genome position (GRCh38, 1-based): chr7:47,885,912, T>C on the plus strand (A>G on the coding strand, the complement: PKD1L1 is on the minus strand). VCF-style: chr7-47885912-T-C. GRCh37 (hg19) VCF-style: chr7-47925510-T-C.
Identifiers: ClinVar variation 4991958 (VCV004991958.1).
Genomic context (GRCh38, chr7:47,885,912, plus strand): 5'-CATGGGCTCTGTGGGGGTTCCCCTTGGAGCTGAAGTGGCAGGTTGGCCAAGGGTCACGGG[T>C]GAAGGTTCCCGTGAGAATGGTGTGGTCGTTGCATCAGGATCTGCAGTGCCAGGCTCAGTG-3'
Protein context (NP_612152.1, residues 983-1003): ATTTPFSREP[Ser993=]PVTLGQPATS